The following is an entry in ClinVar:

NM_000742.4(CHRNA2):c.1465G>T (p.Val489Leu)

Gene: CHRNA2 (cholinergic receptor nicotinic alpha 2 subunit; minus strand). Cytogenetic location: 8p21.2.
Variant type: single nucleotide variant.
Coding change: c.1465G>T on transcript NM_000742.4 (MANE Select); coding-DNA position 1465, G replaced by T.
Protein change: p.Val489Leu; replaces valine 489 with leucine.
Molecular consequence: missense variant.
Genome position (GRCh38, 1-based): chr8:27,461,754, C>A on the plus strand (G>T on the coding strand, the complement: CHRNA2 is on the minus strand). VCF-style: chr8-27461754-C-A. GRCh37 (hg19) VCF-style: chr8-27319271-C-A.
Other names: c.1420G>T, p.Val474Leu (NM_001282455.2); c.988G>T, p.Val330Leu (NM_001347705.2, NM_001347706.2); c.871G>T, p.Val291Leu (NM_001347707.2, NM_001347708.2); short protein forms V291L, V330L, V474L, V489L.
Identifiers: ClinVar variation 1710000 (VCV001710000.2), dbSNP rs2490525019, ClinGen allele CA370807433.

ClinVar aggregate classification (germline): Uncertain significance (1 of 4 stars; one submission).

Conditions:
Autosomal dominant nocturnal frontal lobe epilepsy 4. Also called: CHRNA2-Related Nocturnal Frontal Lobe Epilepsy, Autosomal Dominant; EPILEPSY, FAMILIAL, WITH NOCTURNAL WANDERING AND ICTAL FEAR. Identifiers: Orphanet 98784, MedGen C1835905, MONDO:0012474, OMIM 610353.

Submission:

MGZ Medical Genetics Center
Classification: Uncertain significance for Autosomal dominant nocturnal frontal lobe epilepsy 4. Last evaluated: 2021-10-26. Review status: criteria provided, single submitter. Criteria: ACMG Guidelines, 2015. Collection method: clinical testing. Allele origin: germline. Affected: yes. Observed: 1 variant allele.
Comment: ACMG criteria applied: PM2_SUP, PP2